The following is an entry in ClinVar:

ClinVar aggregate classification (germline): Uncertain significance (1 of 4 stars; one submission).

Allele frequency attached by ClinVar (database versions not stated): gnomAD exomes below 0.00001.
gnomAD v4.1: 1 of 1,614,230 alleles (0.000062%); highest among the groups gnomAD compares: South Asian, 0.0011%; no homozygotes.

Submission:

Ambry Genetics
Classification: Uncertain significance. Last evaluated: 2023-05-28. Review status: criteria provided, single submitter. Criteria: Ambry Variant Classification Scheme 2023. Collection method: clinical testing. Allele origin: germline.
Comment: The p.L660P variant (also known as c.1979T>C), located in coding exon 13 of the RINT1 gene, results from a T to C substitution at nucleotide position 1979. The leucine at codon 660 is replaced by proline, an amino acid with similar properties. This amino acid position is conserved. In addition, the in silico prediction for this alteration is inconclusive. Since supporting evidence is limited at this time, the clinical significance of this alteration remains unclear.

NM_021930.6(RINT1):c.1979T>C (p.Leu660Pro)

Genes: EFCAB10 (EF-hand calcium binding domain 10; minus strand), RINT1 (RAD50 interactor 1; plus strand). Cytogenetic location: 7q22.3.
Variant type: single nucleotide variant.
Coding change: c.1979T>C on transcript NM_021930.6 (MANE Select); coding-DNA position 1979, T replaced by C.
Protein change: p.Leu660Pro; replaces leucine 660 with proline.
Molecular consequence: missense variant. On other transcripts: 3 prime UTR variant (3), non-coding transcript variant (1).
Genome position (GRCh38, 1-based): chr7:105,565,369, T>C. VCF-style: chr7-105565369-T-C. GRCh37 (hg19) VCF-style: chr7-105205816-T-C.
Other names: c.*78A>G (NM_001355526.2); c.*180A>G (NM_001355530.2); c.*33A>G (NM_001355531.2); c.1745T>C, p.Leu582Pro (NM_001346599.2); c.956T>C, p.Leu319Pro (NM_001346600.2, NM_001346603.2); c.1055T>C, p.Leu352Pro (NM_001346601.2); short protein forms L660P, L352P, L319P, L582P.
Identifiers: ClinVar variation 2563361 (VCV002563361.2), dbSNP rs2485183691, ClinGen allele CA368814819.